The following is an entry in ClinVar:

NM_153240.5(NPHP3):c.613A>G (p.Ile205Val)

Genes: NPHP3-ACAD11 (NPHP3-ACAD11 readthrough (NMD candidate); minus strand), NPHP3 (nephrocystin 3; minus strand). Cytogenetic location: 3q22.1.
Variant type: single nucleotide variant.
Coding change: c.613A>G on transcript NM_153240.5 (MANE Select); coding-DNA position 613, A replaced by G.
Protein change: p.Ile205Val; replaces isoleucine 205 with valine.
Molecular consequence: missense variant. On other transcripts: non-coding transcript variant (1).
Genome position (GRCh38, 1-based): chr3:132,719,051, T>C on the plus strand (A>G on the coding strand, the complement: NPHP3 is on the minus strand). VCF-style: chr3-132719051-T-C. GRCh37 (hg19) VCF-style: chr3-132437895-T-C.
Other names: short protein forms I205V.
Identifiers: ClinVar variation 958865 (VCV000958865.9), dbSNP rs1940132597, ClinGen allele CA354587054.

ClinVar aggregate classification (germline): Uncertain significance (1 of 4 stars; one submission).

Conditions:
Nephronophthisis. Also called: Juvenile Nephronophthisis. Identifiers: Orphanet 655, MedGen C0687120, MONDO:0019005, HP:0000090.

Submission:

Labcorp Genetics (formerly Invitae), Labcorp
Classification: Uncertain significance for Nephronophthisis. Last evaluated: 2019-11-07. Review status: criteria provided, single submitter. Criteria: Invitae Variant Classification Sherloc (09022015). Collection method: clinical testing. Allele origin: germline.
Comment: This variant has not been reported in the literature in individuals with NPHP3-related conditions. This variant is not present in population databases (ExAC no frequency). This sequence change replaces isoleucine with valine at codon 205 of the NPHP3 protein (p.Ile205Val). The isoleucine residue is highly conserved and there is a small physicochemical difference between isoleucine and valine. Algorithms developed to predict the effect of missense changes on protein structure and function are either unavailable or do not agree on the potential impact of this missense change (SIFT: "Deleterious"; PolyPhen-2: "Benign"; Align-GVGD: "Class C0"). In summary, the available evidence is currently insufficient to determine the role of this variant in disease. Therefore, it has been classified as a Variant of Uncertain Significance.